The following is an entry in ClinVar:

NM_004004.6(GJB2):c.241C>G (p.Leu81Val)

Gene: GJB2 (gap junction protein beta 2; minus strand). Cytogenetic location: 13q12.11.
Variant type: single nucleotide variant.
Coding change: c.241C>G on transcript NM_004004.6 (MANE Select); coding-DNA position 241, C replaced by G.
Protein change: p.Leu81Val; replaces leucine 81 with valine.
Molecular consequence: missense variant.
Genome position (GRCh38, 1-based): chr13:20,189,341, G>C on the plus strand (C>G on the coding strand, the complement: GJB2 is on the minus strand). VCF-style: chr13-20189341-G-C. GRCh37 (hg19) VCF-style: chr13-20763480-G-C.
Other names: short protein forms L81V.
Identifiers: ClinVar variation 311372 (VCV000311372.9), dbSNP rs145216882, ClinGen allele CA6904298.

ClinVar aggregate classification (germline): Conflicting classifications of pathogenicity. Review status: criteria provided, conflicting classifications (1 of 4 stars). 5 submissions from 3 submitters: Uncertain significance (1); Likely benign (3). 1 of the submissions does not count toward it. Last evaluated 2026-03-05.

Conditions:
Autosomal recessive nonsyndromic hearing loss 1A (DFNB1A). Also called: GJB6-Related DFNB 1 Nonsyndromic Hearing Loss and Deafness; Deafness, autosomal recessive 1A; Nonsyndromic Hearing Loss and Deafness, DFNB1; GJB2-Related Autosomal Recessive Nonsyndromic Hearing Loss; Connexin 26 deafness; Deafness nonsyndromic, Connexin 26 linked. Identifiers: Orphanet 90636, MedGen C2673759, MONDO:0009076, OMIM 220290.
Ichthyosis, hystrix-like, with hearing loss. Also called: Hystrix-like ichthyosis with deafness. Identifiers: Orphanet 477, MedGen C1865234, MONDO:0011245.
Autosomal dominant nonsyndromic hearing loss 3A. Identifiers: Orphanet 90635, MedGen C2675750, MONDO:0011103, OMIM 601544.

Allele frequency attached by ClinVar (database versions not stated): gnomAD 0.00015 and 0.00014; ESP Exome Variant Server 0.00023; TOPMed 0.00020.
gnomAD v4.1: 43 of 1,614,028 alleles (0.0027%); highest among the groups gnomAD compares: African/African-American, 0.048%; no homozygotes.

Submissions (5):

GeneDx
Classification: Uncertain significance. Last evaluated: 2026-03-05. Review status: criteria provided, single submitter. Criteria: GeneDx Variant Classification Process June 2021. Collection method: clinical testing. Allele origin: germline.
Comment: Observed in an individual with hearing loss with no additional GJB2 variant identified, and similarly affected sibling did not harbor the variant (PMID: 19125024); In silico analysis supports that this missense variant has a deleterious effect on protein structure/function; This variant is associated with the following publications: (PMID: 17666888, 25388846, 19230829, 34224455, 25087612, 32596493, 19125024, 36048236)

Illumina Laboratory Services, Illumina
Classification: Likely benign for Autosomal dominant keratitis-ichthyosis-hearing loss syndrome. Last evaluated: 2017-04-27. Review status: criteria provided, single submitter. Criteria: ICSL Variant Classification Criteria 13 December 2019. Collection method: clinical testing. Allele origin: germline.
Comment: This variant was observed as part of a predisposition screen in an ostensibly healthy population. A literature search was performed for the gene, cDNA change, and amino acid change (where applicable). No publications were found based on this search. Allele frequency data from public databases allowed determination this variant is unlikely to cause disease. Therefore, this variant is classified as likely benign.

Illumina Laboratory Services, Illumina
Classification: Likely benign for Autosomal recessive nonsyndromic hearing loss 1A. Last evaluated: 2017-04-27. Review status: criteria provided, single submitter. Criteria: ICSL Variant Classification Criteria 13 December 2019. Collection method: clinical testing. Allele origin: germline.
Comment: This variant was observed as part of a predisposition screen in an ostensibly healthy population. A literature search was performed for the gene, cDNA change, and amino acid change (where applicable). Publications were found based on this search. The evidence from the literature, in combination with allele frequency data from public databases where available, was sufficient to determine this variant is unlikely to cause disease. Therefore, this variant is classified as likely benign.

Illumina Laboratory Services, Illumina
Classification: Likely benign for Autosomal dominant nonsyndromic hearing loss 3A. Last evaluated: 2017-04-27. Review status: criteria provided, single submitter. Criteria: ICSL Variant Classification Criteria 13 December 2019. Collection method: clinical testing. Allele origin: germline.
Comment: the same text as in the submission from Illumina Laboratory Services, Illumina above.

Counsyl
Classification: Uncertain significance for Autosomal recessive nonsyndromic hearing loss 1A. Last evaluated: 2018-01-02. Review status: no assertion criteria provided. Collection method: clinical testing. Allele origin: unknown. Not counted in ClinVar's aggregate classification.

Literature cited by the submitters: PubMed 19125024 (cited by Illumina Laboratory Services, Illumina and Counsyl); PubMed 17666888 (cited by Illumina Laboratory Services, Illumina and Counsyl).